The following is an entry in ClinVar:

ClinVar aggregate classification (germline): Likely benign. Review status: criteria provided, multiple submitters, no conflicts (2 of 4 stars). 5 submissions from 5 submitters: Likely benign (5). Last evaluated 2025-08-17.

Conditions:
Hereditary cancer-predisposing syndrome. Also called: Hereditary neoplastic syndrome; Tumor predisposition; Neoplastic Syndromes, Hereditary; Hereditary Cancer Syndrome. Identifiers: Orphanet 140162, MedGen C0027672, MeSH D009386, MONDO:0015356.
Familial cancer of breast. Also called: Hereditary breast cancer; BREAST CANCER, FAMILIAL; hereditary breast carcinoma. Identifiers: Orphanet 227535, MedGen C0346153, MONDO:0016419, OMIM 114480. Disease mechanism: loss of function.
Fanconi anemia complementation group J. Also called: BRIP1-Related Fanconi Anemia. Identifiers: Orphanet 84, MedGen C1836860, MONDO:0012187, OMIM 609054.

Allele frequency attached by ClinVar (database versions not stated): ExAC 0.00001; gnomAD 0.00001; gnomAD exomes 0.00001; TOPMed 0.00001.
gnomAD v4.1: 13 of 1,613,254 alleles (0.00081%); highest among the groups gnomAD compares: African/African-American, 0.0013%; no homozygotes.

Submissions (5):

Labcorp Genetics (formerly Invitae), Labcorp
Classification: Likely benign for Familial cancer of breast; Fanconi anemia complementation group J. Last evaluated: 2025-08-17. Review status: criteria provided, single submitter. Criteria: Invitae Variant Classification Sherloc (09022015). Collection method: clinical testing. Allele origin: germline.

Myriad Genetics, Inc.
Classification: Likely benign for Familial cancer of breast. Last evaluated: 2024-09-05. Review status: criteria provided, single submitter. Criteria: Myriad Autosomal Dominant, Autosomal Recessive and X-Linked Classification Criteria (2023). Collection method: clinical testing. Allele origin: unknown.
Comment: This variant is considered likely benign. This variant is intronic and is not expected to impact mRNA splicing.

Women's Health and Genetics/Laboratory Corporation of America, LabCorp
Classification: Likely benign. Last evaluated: 2021-01-30. Review status: criteria provided, single submitter. Criteria: LabCorp Variant Classification Summary - May 2015. Collection method: clinical testing. Allele origin: germline.
Comment: Variant summary: BRIP1 c.2576-7T>C alters a non-conserved nucleotide located close to a canonical splice site and therefore could affect mRNA splicing, leading to a significantly altered protein sequence. 4/4 computational tools predict no significant impact on normal splicing. However, these predictions have yet to be confirmed by functional studies. The variant allele was found at a frequency of 8e-06 in 249358 control chromosomes. The available data on variant occurrences in the general population are insufficient to allow any conclusion about variant significance. To our knowledge, no occurrence of c.2576-7T>C in individuals affected with Hereditary Breast And Ovarian Cancer Syndrome and no experimental evidence demonstrating its impact on protein function have been reported. Three clinical diagnostic laboratories have submitted clinical-significance assessments for this variant to ClinVar after 2014 without evidence for independent evaluation. All laboratories classified the variant as likely benign. Based on the evidence outlined above in alignment with the predominant consensus among peers, the variant was classified as likely benign.

Color Diagnostics, LLC DBA Color Health
Classification: Likely benign for Hereditary cancer-predisposing syndrome. Last evaluated: 2018-07-12. Review status: criteria provided, single submitter. Criteria: ACMG Guidelines, 2015. Collection method: clinical testing. Allele origin: germline.

GeneDx
Classification: Likely benign. Last evaluated: 2018-01-30. Review status: criteria provided, single submitter. Criteria: GeneDx Variant Classification (06012015). Collection method: clinical testing. Allele origin: germline. Affected: yes.
Comment: This variant is considered likely benign or benign based on one or more of the following criteria: it is a conservative change, it occurs at a poorly conserved position in the protein, it is predicted to be benign by multiple in silico algorithms, and/or has population frequency not consistent with disease.

NM_032043.3(BRIP1):c.2576-7T>C

Gene: BRIP1 (BRCA1 interacting DNA helicase 1; minus strand). Cytogenetic location: 17q23.2.
Variant type: single nucleotide variant.
Coding change: c.2576-7T>C on transcript NM_032043.3 (MANE Select); 7 bases into the intron before coding-DNA position 2576, T replaced by C.
Molecular consequence: intron variant.
Genome position (GRCh38, 1-based): chr17:61,686,172, A>G on the plus strand (T>C on the coding strand, the complement: BRIP1 is on the minus strand). VCF-style: chr17-61686172-A-G. GRCh37 (hg19) VCF-style: chr17-59763533-A-G.
Identifiers: ClinVar variation 381340 (VCV000381340.17), dbSNP rs759408257, ClinGen allele CA8690475.